The following is an entry in ClinVar:

NM_014053.4(FLVCR1):c.*2419G>A

Gene: FLVCR1 (FLVCR choline and heme transporter 1; plus strand). Cytogenetic location: 1q32.3.
Variant type: single nucleotide variant.
Coding change: c.*2419G>A on transcript NM_014053.4 (MANE Select); 2419 bases downstream of the stop codon, G replaced by A.
Molecular consequence: 3 prime UTR variant.
Genome position (GRCh38, 1-based): chr1:212,897,709, G>A. VCF-style: chr1-212897709-G-A. GRCh37 (hg19) VCF-style: chr1-213071051-G-A.
Identifiers: ClinVar variation 295381 (VCV000295381.6), dbSNP rs10864027, ClinGen allele CA10609793.
Genomic context (GRCh38, chr1:212,897,709, plus strand): 5'-GGAGCTTTACTCATGGTGAAAGGCTAAGTGGGAGCAGAGATGTCACATGGCGAAGCAGGA[G>A]CAAGAGAGCAGGGAGGTGCCACACACCTTCAAACAACCAGATTTTGTGAAAACTCACTCA-3'

ClinVar aggregate classification (germline): Benign. Review status: criteria provided, multiple submitters, no conflicts (2 of 4 stars). 2 submissions from 2 submitters: Benign (2). Last evaluated 2018-01-12.

Conditions:
Posterior column ataxia-retinitis pigmentosa syndrome (RETSNS). Also called: RETINOPATHY-SENSORY NEUROPATHY SYNDROME. Identifiers: Orphanet 88628, MedGen C1836916, MONDO:0012177, OMIM 609033.

Allele frequency attached by ClinVar (database versions not stated): gnomAD exomes 0.34091; TOPMed 0.36092; gnomAD 0.38756 and 0.39396; 1000 Genomes Project 0.37919.
gnomAD v4.1: 59,705 of 151,582 alleles (39%); highest among the groups gnomAD compares: South Asian, 52%; 13,284 homozygotes.

Submissions (2):

Illumina Laboratory Services, Illumina
Classification: Benign for Posterior column ataxia-retinitis pigmentosa syndrome. Last evaluated: 2018-01-12. Review status: criteria provided, single submitter. Criteria: ICSL Variant Classification Criteria 13 December 2019. Collection method: clinical testing. Allele origin: germline.
Comment: This variant was observed in the ICSL laboratory as part of a predisposition screen in an ostensibly healthy population. It had not been previously curated by ICSL or reported in the Human Gene Mutation Database (HGMD: prior to June 1st, 2018), and was therefore a candidate for classification through an automated scoring system. Utilizing variant allele frequency, disease prevalence and penetrance estimates, and inheritance mode, an automated score was calculated to assess if this variant is too frequent to cause the disease. Based on the score and internal cut-off values, a variant classified as benign is not then subjected to further curation. The score for this variant resulted in a classification of benign for this disease.

Breakthrough Genomics
Classification: Benign. Review status: criteria provided, single submitter. Criteria: ACMG Guidelines, 2015. Collection method: not provided. Allele origin: germline. Inheritance: Autosomal recessive inheritance. Affected: yes.